The following is an entry in ClinVar:

ClinVar aggregate classification (germline): Conflicting classifications of pathogenicity. Review status: criteria provided, conflicting classifications (1 of 4 stars). 17 submissions from 17 submitters: Pathogenic (1); Likely pathogenic (9); Uncertain significance (6). 1 of the submissions does not count toward it. Last evaluated 2026-10-07.

Conditions:
CPLANE1-related disorder. Also called: CPLANE1-related condition.
Orofaciodigital syndrome type 6 (OFD6). Also called: Oral-facial-digital syndrome type 6; Central polydactyly cleft lip/palate or lingual lump and psychomotor retardation; Y-shaped central metacarpal and cerebellar defect; Joubert syndrome with orofacialdigital anomalies; OROFACIODIGITAL SYNDROME VI; OFDS VI. Identifiers: Orphanet 2754, MedGen C2745997, MONDO:0010176, OMIM 277170.
Joubert syndrome 17 (JBTS17). Identifiers: Orphanet 475, MedGen C3553264, MONDO:0013824, OMIM 614615.
Inborn genetic diseases. Identifiers: MedGen C0950123, MeSH D030342.

Allele frequency attached by ClinVar (database versions not stated): ExAC 0.00036; gnomAD exomes 0.00038 and 0.00079; ESP Exome Variant Server 0.00046; gnomAD 0.00058 and 0.00060; TOPMed 0.00060.
gnomAD v4.1: 1,204 of 1,574,996 alleles (0.076%); highest among the groups gnomAD compares: Non-Finnish European, 0.099%; 1 homozygote.

Submissions (17):

GeneDx
Classification: Likely pathogenic. Last evaluated: 2026-10-07. Review status: criteria provided, single submitter. Criteria: GeneDx Variant Classification Process June 2021. Collection method: clinical testing. Allele origin: germline.
Comment: Identified in an individual with diabetic kidney disease (PMID: 33774617); Canonical splice site variant predicted to result in an in-frame loss of the adjacent exon in a gene for which loss of function is a known mechanism of disease; This variant is associated with the following publications: (PMID: 31980526, 25533962, 33774617, 36550190)

Clinical Genomics Laboratory, Washington University in St. Louis
Classification: Likely pathogenic for Orofaciodigital syndrome type 6; Joubert syndrome 17. Last evaluated: 2025-11-24. Review status: criteria provided, single submitter. Criteria: ACMG Guidelines, 2015. Collection method: clinical testing. Allele origin: germline. Affected: yes.
Comment: The CPLANE1 c.8462-1G>C variant, to our knowledge, has not been reported in the medical literature. This variant has been reported in the ClinVar database as a germline pathogenic variant by one submitter, as a germline likely pathogenic variant by six submitters, and as a germline variant of uncertain significance by six submitters. The highest population minor allele frequency in the population database genome aggregation database (v.4.1.0) is 0.09% in the European non-Finnish population. This variant occurs within the canonical splice acceptor site, which is predicted to cause skipping of the exon, leading to an in-frame transcript. Based on available information and the ACMG/AMP guidelines for variant interpretation (Richards S et al., PMID: 25741868), this variant is classified as likely pathogenic.

Revvity Omics, Revvity
Classification: Likely pathogenic. Last evaluated: 2025-04-01. Review status: criteria provided, single submitter. Criteria: ACMG Guidelines, 2015. Collection method: clinical testing. Allele origin: germline.

Labcorp Genetics (formerly Invitae), Labcorp
Classification: Likely pathogenic. Last evaluated: 2025-01-13. Review status: criteria provided, single submitter. Criteria: Invitae Variant Classification Sherloc (09022015). Collection method: clinical testing. Allele origin: germline.
Comment: This sequence change affects an acceptor splice site in intron 42 of the CPLANE1 gene. It is expected to disrupt RNA splicing. Variants that disrupt the donor or acceptor splice site typically lead to a loss of protein function (PMID: 16199547), and loss-of-function variants in CPLANE1 are known to be pathogenic (PMID: 24178751, 26092869). This variant is present in population databases (rs151279194, gnomAD 0.07%). This variant has not been reported in the literature in individuals affected with CPLANE1-related conditions. ClinVar contains an entry for this variant (Variation ID: 197492). Algorithms developed to predict the effect of sequence changes on RNA splicing suggest that this variant may disrupt the consensus splice site. In summary, the currently available evidence indicates that the variant is pathogenic, but additional data are needed to prove that conclusively. Therefore, this variant has been classified as Likely Pathogenic.

First Genomix Gene Laboratory, Genetic Diagnostics Department
Classification: Likely pathogenic for Joubert syndrome 17; Orofaciodigital syndrome type 6. Last evaluated: 2025-01-07. Review status: criteria provided, single submitter. Criteria: ACMG Guidelines, 2015. Collection method: clinical testing. Allele origin: germline. Inheritance: Autosomal recessive inheritance. Affected: no. Observed: 1 variant allele.

Victorian Clinical Genetics Services, Murdoch Childrens Research Institute
Classification: Uncertain significance for Joubert syndrome 17. Last evaluated: 2024-10-09. Review status: criteria provided, single submitter. Criteria: ACMG Guidelines, 2015. Collection method: clinical testing. Allele origin: germline. Inheritance: Autosomal recessive inheritance. Affected: yes.
Comment: Based on the classification scheme VCGS_Germline_v1.3.4, this variant is classified as VUS-3A. Following criteria are met: 0102 - Loss of function is a known mechanism of disease in this gene and is associated with Joubert syndrome 17 (MIM#614615) and orofaciodigital syndrome VI (MIM#277170). (I) 0106 - This gene is associated with autosomal recessive disease. (I) 0211 - Canonical splice site variant without proven consequence on splicing (no functional evidence available). (SP) 0251 - This variant is heterozygous. (I) 0304 - Variant is present in gnomAD (v2) <0.01 for a recessive condition (101 heterozygotes). (SP) 0508 - In silico predictions for abnormal splicing are conflicting. (I) 0705 - No comparable splice acceptor variants have previous evidence for pathogenicity. (I) 0808 - Previous reports of pathogenicity for this variant are conflicting. Reported as VUS, pathogenic and likely pathogenic (ClinVar, DECIPHER, LOVD). (I) 0905 - No published segregation evidence has been identified for this variant. (I) 1007 - No published functional evidence has been identified for this variant. (I) Legend: (SP) - Supporting pathogenic, (I) - Information, (SB) - Supporting benign

Blueprint Genetics
Classification: Uncertain significance. Last evaluated: 2024-09-19. Review status: criteria provided, single submitter. Criteria: ACMG Guidelines, 2015. Collection method: clinical testing. Allele origin: germline.

Fulgent Genetics
Classification: Likely pathogenic for Orofaciodigital syndrome type 6; Joubert syndrome 17. Last evaluated: 2024-06-07. Review status: criteria provided, single submitter. Criteria: ACMG Guidelines, 2015. Collection method: clinical testing. Allele origin: germline.

Baylor Genetics
Classification: Uncertain significance for Joubert syndrome 17. Last evaluated: 2024-02-23. Review status: criteria provided, single submitter. Criteria: ACMG Guidelines, 2015. Collection method: clinical testing. Allele origin: unknown.

Women's Health and Genetics/Laboratory Corporation of America, LabCorp
Classification: Uncertain significance. Last evaluated: 2024-01-16. Review status: criteria provided, single submitter. Criteria: LabCorp Variant Classification Summary - May 2015. Collection method: clinical testing. Allele origin: germline.
Comment: Variant summary: CPLANE1 c.8300-1G>C alters a conserved nucleotide located in a canonical splice-site and is predicted to affect mRNA splicing resulting in a significantly altered protein due to either exon skipping, shortening, or inclusion of intronic material. One computational tool predicts an impact on normal splicing by abolishing a canonical 3' splice acceptor site. Three predict a non-informative impact on splicing based on lack of predictions for the wild-type and mutant sequences. However, these predictions have yet to be confirmed by functional studies. The variant allele was found at a frequency of 0.00076 in 1574996 control chromosomes in the gnomAD v4.0.0 database, including 1 homozygote. This frequency is not significantly higher than estimated for a pathogenic variant in CPLANE1 causing Joubert Syndrome And Related Disorders (0.00076 vs 0.0015), allowing no conclusion about variant significance. c.8300-1G>C has been reported in the literature as a heterozygous genotype with a likely pathogenic outcome in at-least one adult individual analyzed as part of a 3-year precision medicine study (example, Claire_2020). The exact clinical outcome, family history or the genotype of this occurrence is not clearly specified and the basis out the reported classification seems to be driven by the perceived translational outcome not bolstered by other supporting evidence as reported. Additionally, the variant has been reported in an individual with diabetic kidney disease (e.g., Lazaro-Guevara_2021). These reports do not provide unequivocal conclusions about association of the variant with Joubert Syndrome And Related Disorders. To our knowledge, no experimental evidence demonstrating an impact on protein function has been reported. The following publications have been ascertained in the context of this evaluation (PMID: 31980526, 33774617). ClinVar contains an entry for this variant (Variation ID: 197492). Based on the evidence outlined above, the variant was classified as VUS-possibly pathogenic.

Department of Pathology and Laboratory Medicine, Sinai Health System
Classification: Likely pathogenic for Orofaciodigital syndrome type 6; Joubert syndrome 17. Last evaluated: 2023-05-10. Review status: criteria provided, single submitter. Criteria: ACMG Guidelines, 2015. Collection method: research. Allele origin: germline.

CeGaT Center for Human Genetics Tuebingen
Classification: Likely pathogenic. Last evaluated: 2022-06-01. Review status: criteria provided, single submitter. Criteria: CeGaT Center For Human Genetics Tuebingen Variant Classification Criteria Version 2. Collection method: clinical testing. Allele origin: germline. Affected: yes. Observed: 2 variant alleles.
Comment: CPLANE1: PVS1:Strong, PM2

Centre of Medical Genetics, University Hospital Muenster
Classification: Pathogenic. Last evaluated: 2022-01-31. Review status: criteria provided, single submitter. Criteria: ACMG Guidelines, 2015. Collection method: clinical testing. Allele origin: unknown. Affected: yes. Observed: 1 variant allele, 1 heterozygote.
Comment: ACMG categories: PVS1,PP3,PP5

Ambry Genetics
Classification: Uncertain significance for Inborn genetic diseases. Last evaluated: 2021-12-16. Review status: criteria provided, single submitter. Criteria: Ambry Variant Classification Scheme 2023. Collection method: clinical testing. Allele origin: germline.
Comment: Resulting transcript is predicted to be in-frame and is not expected to trigger nonsense-mediated mRNA decay Based on insufficient or conflicting evidence, the clinical significance of this alteration remains unclear.

Eurofins Ntd Llc (ga)
Classification: Likely pathogenic. Last evaluated: 2016-08-12. Review status: criteria provided, single submitter. Criteria: EGL Classification Definitions 2015. Collection method: clinical testing. Allele origin: germline. Observed: 3 variant alleles, 3 heterozygotes.

Institute of Human Genetics, University Hospital of Duesseldorf
Classification: Uncertain significance for Orofaciodigital syndrome type 6. Review status: criteria provided, single submitter. Criteria: ACMG Guidelines, 2015. Collection method: not provided. Allele origin: germline. Inheritance: Autosomal recessive inheritance. Affected: yes.

PreventionGenetics, part of Exact Sciences
Classification: Uncertain significance for CPLANE1-related condition. Last evaluated: 2024-08-29. Review status: no assertion criteria provided. Collection method: clinical testing. Allele origin: germline. Not counted in ClinVar's aggregate classification.
Comment: The CPLANE1 c.8300-1G>C variant is predicted to disrupt the AG splice acceptor site and interfere with normal splicing. This variant has been reported in a genome sequencing cohort with unspecified disease association (Supplemental Table, Hou et al. 2020. PubMed ID: 31980526). This variant is reported in 0.072% of alleles in individuals of European (Non-Finnish) descent in gnomAD, including a homozygous individual in the latest dataset. This variant has conflicted classifications in ClinVar. At this time, the clinical significance of this variant is uncertain due to the absence of conclusive functional and genetic evidence.

Literature cited by the submitters: PubMed 16199547 (cited by Labcorp Genetics (formerly Invitae), Labcorp); PubMed 24178751 (cited by Labcorp Genetics (formerly Invitae), Labcorp); PubMed 26092869 (cited by Labcorp Genetics (formerly Invitae), Labcorp); PubMed 31980526 (cited by Women's Health and Genetics/Laboratory Corporation of America, LabCorp); PubMed 33774617 (cited by Women's Health and Genetics/Laboratory Corporation of America, LabCorp).

NM_001384732.1(CPLANE1):c.8462-1G>C

Gene: CPLANE1 (ciliogenesis and planar polarity effector complex subunit 1; minus strand). Cytogenetic location: 5p13.2.
Variant type: single nucleotide variant.
Coding change: c.8462-1G>C on transcript NM_001384732.1 (MANE Select); the canonical splice acceptor site of the intron before coding-DNA position 8462, G replaced by C.
Molecular consequence: splice acceptor variant.
Genome position (GRCh38, 1-based): chr5:37,142,481, C>G on the plus strand (G>C on the coding strand, the complement: CPLANE1 is on the minus strand). VCF-style: chr5-37142481-C-G. GRCh37 (hg19) VCF-style: chr5-37142583-C-G.
Other names: c.8300-1G>C (NM_023073.4).
Identifiers: ClinVar variation 197492 (VCV000197492.72), dbSNP rs151279194, ClinGen allele CA275274.